The following is an entry in ClinVar:

ClinVar aggregate classification (germline): Benign/Likely benign. Review status: criteria provided, multiple submitters, no conflicts (2 of 4 stars). 3 submissions from 3 submitters: Benign (1); Likely benign (2). Last evaluated 2025-06-09.

Conditions:
Tuberous sclerosis 2 (TSC2). Identifiers: Orphanet 805, MedGen C1860707, MONDO:0013199, OMIM 613254.
Hereditary cancer-predisposing syndrome. Also called: Tumor predisposition; Hereditary Cancer Syndrome; Neoplastic Syndromes, Hereditary; Hereditary neoplastic syndrome. Identifiers: Orphanet 140162, MedGen C0027672, MeSH D009386, MONDO:0015356.

gnomAD v4.1: 1 of 1,611,314 alleles (0.000062%); highest among the groups gnomAD compares: Non-Finnish European, 0.000085%; no homozygotes.

Submissions (3):

Myriad Genetics, Inc.
Classification: Benign for Tuberous sclerosis 2. Last evaluated: 2025-06-09. Review status: criteria provided, single submitter. Criteria: Myriad Autosomal Dominant, Autosomal Recessive and X-Linked Classification Criteria (2023). Collection method: clinical testing. Allele origin: unknown.
Comment: This variant is considered benign. This variant is a silent/synonymous amino acid change and it is not expected to impact splicing.

Labcorp Genetics (formerly Invitae), Labcorp
Classification: Likely benign for Tuberous sclerosis 2. Last evaluated: 2024-04-07. Review status: criteria provided, single submitter. Criteria: Invitae Variant Classification Sherloc (09022015). Collection method: clinical testing. Allele origin: germline.

Ambry Genetics
Classification: Likely benign for Hereditary cancer-predisposing syndrome. Last evaluated: 2022-11-07. Review status: criteria provided, single submitter. Criteria: Ambry Variant Classification Scheme 2023. Collection method: clinical testing. Allele origin: germline.

NM_000548.5(TSC2):c.5370G>A (p.Val1790=)

Gene: TSC2 (TSC complex subunit 2; plus strand). Cytogenetic location: 16p13.3.
Variant type: single nucleotide variant.
Coding change: c.5370G>A on transcript NM_000548.5 (MANE Select); coding-DNA position 5370, G replaced by A.
Protein change: p.Val1790=; no amino-acid change (valine 1790 retained).
Molecular consequence: synonymous variant.
Genome position (GRCh38, 1-based): chr16:2,088,556, G>A. VCF-style: chr16-2088556-G-A. GRCh37 (hg19) VCF-style: chr16-2138557-G-A.
Other names: c.5169G>A, p.Val1723= (NM_001077183.3); c.5301G>A, p.Val1767= (NM_001114382.3); c.5061G>A, p.Val1687= (NM_001318827.2); c.5025G>A, p.Val1675= (NM_001318829.2); c.4638G>A, p.Val1546= (NM_001318831.2); c.5202G>A, p.Val1734= (NM_001318832.2); c.5172G>A, p.Val1724= (NM_001363528.2); c.5238G>A, p.Val1746= (NM_001370404.1); and 2 more.
Identifiers: ClinVar variation 763866 (VCV000763866.13), dbSNP rs762032752, ClinGen allele CA493043750.